The following is an entry in ClinVar:

NM_004364.5(CEBPA):c.937_939dup (p.Lys313_Val314insLys)

Gene: CEBPA (CCAAT enhancer binding protein alpha; minus strand). Cytogenetic location: 19q13.11.
Variant type: Duplication.
Coding change: c.937_939dup on transcript NM_004364.5 (MANE Select); coding-DNA positions 937 to 939, 3 bases duplicated (AAG; older notation c.937_939dupAAG).
Protein change: p.Lys313_Val314insLys.
Genome position (GRCh38, 1-based): chr19:33,301,476-33,301,478, CTT duplicated on the plus strand (AAG on the coding strand, the reverse complement: CEBPA is on the minus strand); duplicating any 3 consecutive bases within chr19:33,301,476-33,301,480 gives the same sequence; the c. name uses the placement nearest the transcript's 3' end. VCF-style (leftmost placement, unchanged base first): chr19-33301475-C-CCTT. GRCh37 (hg19) VCF-style: chr19-33792381-C-CCTT.
Other names: c.580_582dup, p.Lys194_Val195insLys (NM_001285829.2); c.1042_1044dup, p.Lys348_Val349insLys (NM_001287424.2); c.895_897dup, p.Lys299_Val300insLys (NM_001287435.2).
Identifiers: ClinVar variation 4530151 (VCV004530151.3).
Genomic context (GRCh38, chr19:33,301,475, plus strand): 5'-CGCGGCTCAGCTGTTCCACCCGCTTGCGCAGGCGGTCATTGTCACTGGTCAGCTCCAGCA[C>CCTT]CTTCTGCTGCGTCTCCACGTTGCGCTGCTTGGCCTTGTCGCGGCTCTTGCGCACCGCGAT-3'

ClinVar aggregate classification (germline): Uncertain significance. Review status: criteria provided, multiple submitters, no conflicts (2 of 4 stars). 2 submissions from 2 submitters: Uncertain significance (2). Last evaluated 2025-03-04.
ClinVar aggregate classification (somatic clinical impact): Tier I - Strong (1 of 4 stars; one submission).

Conditions:
Acute myeloid leukemia (AML). Also called: Acute myeloid leukemia, adult; AML adult; Acute non-lymphocytic leukemia; Acute granulocytic leukemia; Leukemia, acute myeloid, somatic; Leukemia, acute myelogenous, somatic. Identifiers: Orphanet 519, MedGen C0023467, MeSH D015470, MONDO:0018874, OMIM 601626, HP:0004808. Disease mechanism: Constitutively activated FLT3.

Submissions (3):

ARUP Laboratories, Molecular Genetics and Genomics, ARUP Laboratories
Classification: Uncertain significance. Last evaluated: 2025-03-04. Review status: criteria provided, single submitter. Criteria: ARUP Molecular Germline Variant Investigation Process 2024. Collection method: clinical testing. Allele origin: germline.
Comment: The CEBPA c.937_939dup; p.Lys313dup variant, to our knowledge, is a recurrent acquired variant in individuals with hematological malignancies (Carnicer 2008, Ho 2009). This variant is absent from the Genome Aggregation Database (v2.1.1), indicating it is not a common polymorphism. This variant inserts 3 nucleotides resulting in the duplication of a single lysine residue leaving the rest of the protein in-frame. Since this variant has not been reported as inherited in the literature, the clinical significance as a germline variant is uncertain at this time. References: Carnicer MJ et al. K313dup is a recurrent CEBPA mutation in de novo acute myeloid leukemia (AML). Ann Hematol. 2008 Oct. PMID: 18587575 Ho PA et al. Prevalence and prognostic implications of CEBPA mutations in pediatric acute myeloid leukemia (AML): a report from the Children's Oncology Group. Blood. 2009 Jun 25. PMID: 19304957

Institute for Genomic Medicine (IGM) Clinical Laboratory, Nationwide Children's Hospital
Classification: Tier I - Strong for Acute myeloid leukemia. Assertion type: diagnostic. Clinical significance: supports diagnosis. Last evaluated: 2023-05-04. Review status: criteria provided, single submitter. Criteria: AMP/ASCO/CAP Guidelines, 2017. Collection method: clinical testing. Allele origin: somatic. Affected: yes.
Comment: Variant has Tier I (strong) clinical significance as a diagnostic inclusion criterion in acute myeloid leukemia, based on the following evidence: 1) Documented in one or more cancer databases (e.g., St. Jude Pecan, COSMIC, CIViC, OncoKB). 2) Appears in one or more well-established professional guidelines (e.g., World Health Organization [WHO]; National Comprehensive Cancer Network [NCCN]) as providing diagnostic, prognostic, or therapeutic information. 3) Information in the literature supports potential biologic effect of variant (PMID: 11242107). 4) Diagnostic for a specific tumor type/classification according to professional guidelines (Evidence Level A; PMIDs: 11830484, 14726504, 18587575, 27276561, 33951732, 34320176, 34448807).

Blueprint Genetics
Classification: Uncertain significance. Last evaluated: 2022-02-21. Review status: criteria provided, single submitter. Criteria: ACMG Guidelines, 2015. Collection method: clinical testing. Allele origin: germline.

Literature cited by the submitters: PubMed 11242107 (cited by Institute for Genomic Medicine (IGM) Clinical Laboratory, Nationwide Children's Hospital); PubMed 11830484 (cited by Institute for Genomic Medicine (IGM) Clinical Laboratory, Nationwide Children's Hospital); PubMed 14726504 (cited by Institute for Genomic Medicine (IGM) Clinical Laboratory, Nationwide Children's Hospital); PubMed 18587575 (cited by Institute for Genomic Medicine (IGM) Clinical Laboratory, Nationwide Children's Hospital); PubMed 27276561 (cited by Institute for Genomic Medicine (IGM) Clinical Laboratory, Nationwide Children's Hospital); PubMed 33951732 (cited by Institute for Genomic Medicine (IGM) Clinical Laboratory, Nationwide Children's Hospital); PubMed 34320176 (cited by Institute for Genomic Medicine (IGM) Clinical Laboratory, Nationwide Children's Hospital); PubMed 34448807 (cited by Institute for Genomic Medicine (IGM) Clinical Laboratory, Nationwide Children's Hospital).